The following is an entry in ClinVar:

NM_001130528.3(SPAG9):c.1392A>G (p.Glu464=)

Gene: SPAG9 (sperm associated antigen 9; minus strand). Cytogenetic location: 17q21.33.
Variant type: single nucleotide variant.
Coding change: c.1392A>G on transcript NM_001130528.3 (MANE Select); coding-DNA position 1392, A replaced by G.
Protein change: p.Glu464=; no amino-acid change (glutamic acid 464 retained).
Molecular consequence: synonymous variant.
Genome position (GRCh38, 1-based): chr17:51,006,117, T>C on the plus strand (A>G on the coding strand, the complement: SPAG9 is on the minus strand). VCF-style: chr17-51006117-T-C. GRCh37 (hg19) VCF-style: chr17-49083478-T-C.
Other names: c.1350A>G, p.Glu450= (NM_001130527.3, NM_003971.6); c.921A>G, p.Glu307= (NM_001251971.2).
Identifiers: ClinVar variation 4534903 (VCV004534903.6).

ClinVar aggregate classification (germline): Likely benign (1 of 4 stars; one submission).

Submission:

CeGaT Center for Human Genetics Tuebingen
Classification: Likely benign. Last evaluated: 2025-09-01. Review status: criteria provided, single submitter. Criteria: CeGaT Center For Human Genetics Tuebingen Variant Classification Criteria Version 2. Collection method: clinical testing. Allele origin: germline. Affected: yes. Observed: 1 variant allele.
Comment: SPAG9: PM2:Supporting, BP4, BP7